The following is an entry in ClinVar:

ClinVar aggregate classification (germline): Uncertain significance. Review status: criteria provided, multiple submitters, no conflicts (2 of 4 stars). 3 submissions from 3 submitters: Uncertain significance (3). Last evaluated 2024-12-03.

Conditions:
Pancreatic adenocarcinoma. Identifiers: MedGen C0281361, MONDO:0006047, HP:0006725.
Pancreatic cancer, susceptibility to, 1. Identifiers: Orphanet 1333, MedGen C1847351, MONDO:0011739, OMIM 606856.

Allele frequency attached by ClinVar (database versions not stated): gnomAD 0.00001 and 0.00002; ExAC 0.00002; gnomAD exomes 0.00002 and 0.00008; TOPMed 0.00003.
gnomAD v4.1: 113 of 1,613,886 alleles (0.007%); highest among the groups gnomAD compares: Non-Finnish European, 0.0093%; no homozygotes.

Submissions (3):

Ambry Genetics
Classification: Uncertain significance. Last evaluated: 2024-12-03. Review status: criteria provided, single submitter. Criteria: Ambry Variant Classification Scheme 2023. Collection method: clinical testing. Allele origin: germline.

Labcorp Genetics (formerly Invitae), Labcorp
Classification: Uncertain significance for Pancreatic adenocarcinoma. Last evaluated: 2023-05-26. Review status: criteria provided, single submitter. Criteria: Invitae Variant Classification Sherloc (09022015). Collection method: clinical testing. Allele origin: germline.
Comment: This variant is present in population databases (rs781065277, gnomAD 0.005%). In summary, the available evidence is currently insufficient to determine the role of this variant in disease. Therefore, it has been classified as a Variant of Uncertain Significance. An algorithm developed to predict the effect of missense changes on protein structure and function (PolyPhen-2) suggests that this variant is likely to be tolerated. ClinVar contains an entry for this variant (Variation ID: 809704). This variant has not been reported in the literature in individuals affected with PALLD-related conditions. This sequence change replaces valine, which is neutral and non-polar, with isoleucine, which is neutral and non-polar, at codon 614 of the PALLD protein (p.Val614Ile).

Department of Pathology and Laboratory Medicine, Sinai Health System
Classification: Uncertain significance for Pancreatic cancer, susceptibility to, 1. Last evaluated: 2020-07-27. Review status: criteria provided, single submitter. Criteria: ACMG Guidelines, 2015. Collection method: research. Allele origin: germline.

NM_001166108.2(PALLD):c.3352G>A (p.Val1118Ile)

Genes: PALLD (palladin, cytoskeletal associated protein; plus strand), CBR4 (carbonyl reductase 4; minus strand). Cytogenetic location: 4q32.3.
Variant type: single nucleotide variant.
Coding change: c.3352G>A on transcript NM_001166108.2 (MANE Select); coding-DNA position 3352, G replaced by A.
Protein change: p.Val1118Ile; replaces valine 1118 with isoleucine.
Molecular consequence: missense variant.
Genome position (GRCh38, 1-based): chr4:168,925,072, G>A. VCF-style: chr4-168925072-G-A. GRCh37 (hg19) VCF-style: chr4-169846223-G-A.
Other names: c.2155G>A, p.Val719Ile (NM_001166109.2); c.1840G>A, p.Val614Ile (NM_001166110.2); c.1180G>A, p.Val394Ile (NM_001367567.1, NM_001367569.1); c.1231G>A, p.Val411Ile (NM_001367568.1, NM_001367570.1); c.3301G>A, p.Val1101Ile (NM_016081.4); c.1840G>A (NM_001166110.1); short protein forms V411I, V1118I, V394I, V614I, V719I, V1101I.
Identifiers: ClinVar variation 809704 (VCV000809704.21), dbSNP rs781065277, ClinGen allele CA3136089.